The following is an entry in ClinVar:

ClinVar aggregate classification (germline): Pathogenic/Likely pathogenic. Review status: criteria provided, multiple submitters, no conflicts (2 of 4 stars). 2 submissions from 2 submitters: Pathogenic (1); Likely pathogenic (1). Last evaluated 2023-10-27.

Conditions:
Primary coenzyme Q10 deficiency 8. Identifiers: MedGen C4225226, MONDO:0014754, OMIM 616733.

Submissions (2):

Laboratorio de Genetica e Diagnostico Molecular, Hospital Israelita Albert Einstein
Classification: Likely pathogenic for Primary coenzyme Q10 deficiency 8. Last evaluated: 2023-10-27. Review status: criteria provided, single submitter. Criteria: ACMG Guidelines, 2015. Collection method: clinical testing. Allele origin: germline. Affected: yes.
Comment: ACMG classification criteria: PVS1 moderate, PM2 moderate, PM3 moderate

Mendelics
Classification: Pathogenic for Primary coenzyme Q10 deficiency 8. Last evaluated: 2022-05-04. Review status: criteria provided, single submitter. Criteria: Mendelics Assertion Criteria 2019. Collection method: clinical testing. Allele origin: germline.

NM_016138.5(COQ7):c.635_636del (p.Tyr212fs)

Gene: COQ7 (coenzyme Q7, hydroxylase; plus strand). Cytogenetic location: 16p12.3.
Variant type: Microsatellite.
Coding change: c.635_636del on transcript NM_016138.5 (MANE Select); coding-DNA positions 635 to 636, 2 bases deleted (AT; older notation c.635_636delAT).
Protein change: p.Tyr212fs; shifts the reading frame from tyrosine 212.
Molecular consequence: frameshift variant. On other transcripts: non-coding transcript variant (3).
Genome position (GRCh38, 1-based): chr16:19,078,139-19,078,140, AT deleted; deleting any 2 consecutive bases within chr16:19,078,135-19,078,140 gives the same sequence; the c. name uses the placement nearest the transcript's 3' end. VCF-style (leftmost placement, unchanged base first): chr16-19078134-GAT-G. GRCh37 (hg19) VCF-style: chr16-19089456-GAT-G.
Other names: c.521_522del, p.Tyr174fs (NM_001190983.2, NM_001370492.1, NM_001370493.1 and 1 more transcripts); c.593_594del, p.Tyr198fs (NM_001370489.1); c.566_567del, p.Tyr189fs (NM_001370490.1); c.524_525del, p.Tyr175fs (NM_001370491.1); c.452_453del, p.Tyr151fs (NM_001370495.1); short protein forms Y151fs, Y174fs, Y175fs, Y189fs, Y198fs, Y212fs.
Identifiers: ClinVar variation 1685666 (VCV001685666.2), dbSNP rs2142400288, ClinGen allele CA2575929252.